The following is an entry in ClinVar:

ClinVar aggregate classification (germline): Likely benign (3 of 4 stars; one submission).

Conditions:
Breast-ovarian cancer, familial, susceptibility to, 2 (BROVCA2). Also called: BRCA2 Hereditary Breast and Ovarian Cancer. Identifiers: Orphanet 145, MedGen C2675520, MONDO:0012933, OMIM 612555. Disease mechanism: loss of function.

gnomAD v4.1: 1 of 1,614,092 alleles (0.000062%); highest among the groups gnomAD compares: South Asian, 0.0011%; no homozygotes.

Submission:

Evidence-based Network for the Interpretation of Germline Mutant Alleles (ENIGMA)
Classification: Likely benign for Breast-ovarian cancer, familial, susceptibility to, 2. Last evaluated: 2017-06-29. Review status: reviewed by expert panel. Criteria: ENIGMA BRCA1/2 Classification Criteria (2017-06-29). Collection method: curation. Allele origin: germline.
Comment: Synonymous substitution variant, with low bioinformatic likelihood to result in a splicing aberration (Splicing prior probability 0.02).

NM_000059.4(BRCA2):c.7191T>A (p.Ile2397=)

Gene: BRCA2 (BRCA2 DNA repair associated; plus strand). Cytogenetic location: 13q13.1.
Variant type: single nucleotide variant.
Coding change: c.7191T>A on transcript NM_000059.4 (MANE Select); coding-DNA position 7191, T replaced by A.
Protein change: p.Ile2397=; no amino-acid change (isoleucine 2397 retained).
Molecular consequence: synonymous variant.
Genome position (GRCh38, 1-based): chr13:32,355,044, T>A. VCF-style: chr13-32355044-T-A. GRCh37 (hg19) VCF-style: chr13-32929181-T-A.
Identifiers: ClinVar variation 427508 (VCV000427508.3), dbSNP rs772265912, ClinGen allele CA6941067.